The following is an entry in ClinVar:

ClinVar aggregate classification (germline): Likely pathogenic (1 of 4 stars; one submission).

Submission:

Labcorp Genetics (formerly Invitae), Labcorp
Classification: Likely pathogenic. Last evaluated: 2023-03-27. Review status: criteria provided, single submitter. Criteria: Invitae Variant Classification Sherloc (09022015). Collection method: clinical testing. Allele origin: germline.
Comment: In summary, the currently available evidence indicates that the variant is pathogenic, but additional data are needed to prove that conclusively. Therefore, this variant has been classified as Likely Pathogenic. Algorithms developed to predict the effect of sequence changes on RNA splicing suggest that this variant may create or strengthen a splice site. This variant has not been reported in the literature in individuals affected with HPS1-related conditions. This variant is not present in population databases (gnomAD no frequency). This sequence change affects a donor splice site in intron 13 of the HPS1 gene. It is expected to disrupt RNA splicing. Variants that disrupt the donor or acceptor splice site typically lead to a loss of protein function (PMID: 16199547), and loss-of-function variants in HPS1 are known to be pathogenic (PMID: 12442288, 16185271).

Literature cited by the submitters: PubMed 16199547; PubMed 12442288; PubMed 16185271.

NM_000195.5(HPS1):c.1335+2T>C

Gene: HPS1 (HPS1 biogenesis of lysosomal organelles complex 3 subunit 1; minus strand). Cytogenetic location: 10q24.2.
Variant type: single nucleotide variant.
Coding change: c.1335+2T>C on transcript NM_000195.5 (MANE Select); the canonical splice donor site of the intron after coding-DNA position 1335, T replaced by C.
Molecular consequence: splice donor variant.
Genome position (GRCh38, 1-based): chr10:98,425,539, A>G on the plus strand (T>C on the coding strand, the complement: HPS1 is on the minus strand). VCF-style: chr10-98425539-A-G. GRCh37 (hg19) VCF-style: chr10-100185296-A-G.
Other names: c.966+2T>C (NM_001322483.2, NM_001322484.2); c.1074+2T>C (NM_001322480.2, NM_001322481.2); c.1236+2T>C (NM_001322478.2, NM_001322479.2); c.1335+2T>C (NM_001322476.2, NM_001322477.2); c.867+2T>C (NM_001322485.2); c.975+2T>C (NM_001322482.2); c.363+2T>C (NM_001322489.2, NM_001311345.2, NM_001322487.2).
Identifiers: ClinVar variation 2791401 (VCV002791401.3), dbSNP rs2538832622, ClinGen allele CA378047562.